The following is an entry in ClinVar:

ClinVar aggregate classification (germline): Uncertain significance (1 of 4 stars; one submission).

Conditions:
Amyotrophic lateral sclerosis type 8 (ALS8). Identifiers: Orphanet 803, MedGen C1837728, MONDO:0012077, OMIM 608627.
Adult-onset proximal spinal muscular atrophy, autosomal dominant. Also called: FINKEL LATE-ADULT TYPE SMA; Spinal muscular atrophy, late-onset, finkel type. Identifiers: Orphanet 209335, MedGen C1854058, MONDO:0008453, OMIM 182980.

Allele frequency attached by ClinVar (database versions not stated): gnomAD 0.00001; gnomAD exomes 0.00001; TOPMed 0.00001; ExAC 0.00002.
gnomAD v4.1: 14 of 1,613,808 alleles (0.00087%); highest among the groups gnomAD compares: Admixed American, 0.0033%; no homozygotes.

Submission:

Labcorp Genetics (formerly Invitae), Labcorp
Classification: Uncertain significance for Adult-onset proximal spinal muscular atrophy, autosomal dominant; Amyotrophic lateral sclerosis type 8. Last evaluated: 2024-12-23. Review status: criteria provided, single submitter. Criteria: Invitae Variant Classification Sherloc (09022015). Collection method: clinical testing. Allele origin: germline.
Comment: This sequence change replaces leucine, which is neutral and non-polar, with methionine, which is neutral and non-polar, at codon 125 of the VAPB protein (p.Leu125Met). This variant is present in population databases (rs755094802, gnomAD 0.006%). This missense change has been observed in individual(s) with VAPB-related conditions (PMID: 26362251; internal data). ClinVar contains an entry for this variant (Variation ID: 2934872). Invitae Evidence Modeling of protein sequence and biophysical properties (such as structural, functional, and spatial information, amino acid conservation, physicochemical variation, residue mobility, and thermodynamic stability) indicates that this missense variant is not expected to disrupt VAPB protein function with a negative predictive value of 80%. In summary, the available evidence is currently insufficient to determine the role of this variant in disease. Therefore, it has been classified as a Variant of Uncertain Significance.

Literature cited by the submitters: PubMed 26362251.

NM_004738.5(VAPB):c.373T>A (p.Leu125Met)

Gene: VAPB (VAMP associated protein B and C; plus strand). Cytogenetic location: 20q13.32.
Variant type: single nucleotide variant.
Coding change: c.373T>A on transcript NM_004738.5 (MANE Select); coding-DNA position 373, T replaced by A.
Protein change: p.Leu125Met; replaces leucine 125 with methionine.
Molecular consequence: missense variant. On other transcripts: intron variant (1).
Genome position (GRCh38, 1-based): chr20:58,439,002, T>A. VCF-style: chr20-58439002-T-A. GRCh37 (hg19) VCF-style: chr20-57014058-T-A.
Other names: c.212-5075T>A (NM_001195677.2); short protein forms L125M.
Identifiers: ClinVar variation 2934872 (VCV002934872.3), dbSNP rs755094802, ClinGen allele CA9924240.